The following is an entry in ClinVar:

ClinVar aggregate classification (germline): Uncertain significance. Review status: criteria provided, multiple submitters, no conflicts (2 of 4 stars). 2 submissions from 2 submitters: Uncertain significance (2). Last evaluated 2022-08-19.

Conditions:
Pyruvate carboxylase deficiency. Also called: ATAXIA WITH LACTIC ACIDOSIS II; Pyruvate Carboxylase Deficiency Disease; LEIGH NECROTIZING ENCEPHALOPATHY DUE TO PYRUVATE CARBOXYLASE DEFICIENCY; LEIGH SYNDROME DUE TO PYRUVATE CARBOXYLASE DEFICIENCY; PC DEFICIENCY. Identifiers: Orphanet 3008, MedGen C0034341, MONDO:0009949, OMIM 266150.

Allele frequency attached by ClinVar (database versions not stated): gnomAD 0.00001; ExAC 0.00002; 1000 Genomes Project 0.00020; 1000 Genomes Project 30x 0.00031.
gnomAD v4.1: 11 of 1,614,164 alleles (0.00068%); highest among the groups gnomAD compares: South Asian, 0.0033%; no homozygotes.

Submissions (2):

Labcorp Genetics (formerly Invitae), Labcorp
Classification: Uncertain significance for Pyruvate carboxylase deficiency. Last evaluated: 2022-08-19. Review status: criteria provided, single submitter. Criteria: Invitae Variant Classification Sherloc (09022015). Collection method: clinical testing. Allele origin: germline.
Comment: This sequence change replaces arginine, which is basic and polar, with tryptophan, which is neutral and slightly polar, at codon 997 of the PC protein (p.Arg997Trp). This variant is present in population databases (rs565301304, gnomAD 0.007%). This variant has not been reported in the literature in individuals affected with PC-related conditions. Algorithms developed to predict the effect of missense changes on protein structure and function are either unavailable or do not agree on the potential impact of this missense change (SIFT: "Deleterious"; PolyPhen-2: "Possibly Damaging"; Align-GVGD: "Class C0"). In summary, the available evidence is currently insufficient to determine the role of this variant in disease. Therefore, it has been classified as a Variant of Uncertain Significance.

Blueprint Genetics
Classification: Uncertain significance. Last evaluated: 2021-12-19. Review status: criteria provided, single submitter. Criteria: ACMG Guidelines, 2015. Collection method: clinical testing. Allele origin: germline.

NM_001040716.2(PC):c.2989C>T (p.Arg997Trp)

Gene: PC (pyruvate carboxylase; minus strand). Cytogenetic location: 11q13.2.
Variant type: single nucleotide variant.
Coding change: c.2989C>T on transcript NM_001040716.2 (MANE Select); coding-DNA position 2989, C replaced by T.
Protein change: p.Arg997Trp; replaces arginine 997 with tryptophan.
Molecular consequence: missense variant.
Genome position (GRCh38, 1-based): chr11:66,849,769, G>A on the plus strand (C>T on the coding strand, the complement: PC is on the minus strand). VCF-style: chr11-66849769-G-A. GRCh37 (hg19) VCF-style: chr11-66617240-G-A.
Other names: c.2989C>T, p.Arg997Trp (NM_000920.4, NM_022172.3); short protein forms R997W.
Identifiers: ClinVar variation 2417583 (VCV002417583.4), dbSNP rs565301304, ClinGen allele CA6130923.
Genomic context (GRCh38, chr11:66,849,769, plus strand): 5'-ACACATCGGGGTACATAGCTGCTGAGAGCACATCTTCCGGCGTCACCTCCTCCCCATGCC[G>A]GTCTACCAGCTCCTTCTCCAGTGCCTGCAGATCCAGGGGAGGGAGGGAGGCTCCAGGCCG-3'
Protein context (NP_001035806.1, residues 987-1007): LQALEKELVD[Arg997Trp]HGEEVTPEDV